The following is an entry in ClinVar:

ClinVar aggregate classification (germline): Uncertain significance (1 of 4 stars; one submission).

Conditions:
Inborn genetic diseases. Identifiers: MedGen C0950123, MeSH D030342.

gnomAD v4.1: 4 of 1,614,136 alleles (0.00025%); highest among the groups gnomAD compares: Non-Finnish European, 0.00034%; no homozygotes.

Submission:

Ambry Genetics
Classification: Uncertain significance for Inborn genetic diseases. Last evaluated: 2022-10-11. Review status: criteria provided, single submitter. Criteria: Ambry Variant Classification Scheme 2023. Collection method: clinical testing. Allele origin: germline.
Comment: The p.D258G variant (also known as c.773A>G), located in coding exon 6 of the EPAS1 gene, results from an A to G substitution at nucleotide position 773. The aspartic acid at codon 258 is replaced by glycine, an amino acid with similar properties. This amino acid position is conserved. In addition, this alteration is predicted to be deleterious by in silico analysis. Since supporting evidence is limited at this time, the clinical significance of this alteration remains unclear.

NM_001430.5(EPAS1):c.773A>G (p.Asp258Gly)

Genes: EPAS1 (endothelial PAS domain protein 1; plus strand), LOC126806210 (BRD4-independent group 4 enhancer GRCh37_chr2:46587586-46588785; plus strand). Cytogenetic location: 2p21.
Variant type: single nucleotide variant.
Coding change: c.773A>G on transcript NM_001430.5 (MANE Select); coding-DNA position 773, A replaced by G.
Protein change: p.Asp258Gly; replaces aspartic acid 258 with glycine.
Molecular consequence: missense variant.
Genome position (GRCh38, 1-based): chr2:46,361,084, A>G. VCF-style: chr2-46361084-A-G. GRCh37 (hg19) VCF-style: chr2-46588223-A-G.
Other names: short protein forms D258G.
Identifiers: ClinVar variation 1760382 (VCV001760382.2), dbSNP rs1684376877, ClinGen allele CA346700436.
Genomic context (GRCh38, chr2:46,361,084, plus strand): 5'-CCCTGGATAGCAAGACCTTCCTGAGCCGCCACAGCATGGACATGAAGTTCACCTACTGTG[A>G]TGACAGGTAGGGGGCCATGGGTGTGTATGCTGTGGGCAGAGATGGGTCTTACCTGTGTGT-3'
Protein context (NP_001421.2, residues 248-268): HSMDMKFTYC[Asp258Gly]DRITELIGYH